The following is an entry in ClinVar:

NM_015450.3(POT1):c.653_702+2059del

Gene: POT1 (protection of telomeres 1; minus strand). Cytogenetic location: 7q31.33.
Variant type: Deletion.
Coding change: c.653_702+2059del on transcript NM_015450.3 (MANE Select); coding-DNA position 653 through 2059 bases into the intron after coding-DNA position 702, 2,109 bases deleted.
Molecular consequence: splice donor variant.
Genome position (GRCh38, 1-based): chr7:124,856,898-124,859,006, 2,109 bases deleted. GRCh37 (hg19): chr7:124,496,953-124,499,061.
Other names: c.260_309+2059del (NM_001042594.2).
Identifiers: ClinVar variation 4673546 (VCV004673546.1).

ClinVar aggregate classification (germline): Uncertain significance (1 of 4 stars; one submission).

Conditions:
Hereditary cancer-predisposing syndrome. Also called: Neoplastic Syndromes, Hereditary; Tumor predisposition; Hereditary Cancer Syndrome; Hereditary neoplastic syndrome. Identifiers: Orphanet 140162, MedGen C0027672, MeSH D009386, MONDO:0015356.

Submission:

Ambry Genetics
Classification: Uncertain significance for Hereditary cancer-predisposing syndrome. Last evaluated: 2025-10-09. Review status: criteria provided, single submitter. Criteria: Ambry Variant Classification Scheme 2023. Collection method: clinical testing. Allele origin: germline.
Comment: The c.653_702+2059del2109 gross deletion includes at least a portion of coding exon 5 of the gene and involves the canonical splice donor site after coding exon 5 of the POT1 gene. The canonical splice donor site is highly conserved in available vertebrate species. In silico splice site analysis predicts that this alteration will weaken the native splice donor site. The resulting transcript is predicted to be in-frame and is not expected to trigger nonsense-mediated mRNAdecay. The exact functional effect of the missing amino acids is unknown. Based on the available evidence, the clinical significance of this alteration remains unclear.